The following is an entry in ClinVar:

ClinVar aggregate classification (germline): Uncertain significance (1 of 4 stars; one submission).

Conditions:
Epilepsy, progressive myoclonic, 1B. Also called: PME. Identifiers: Orphanet 308, MedGen C2676254, MONDO:0012904, OMIM 612437.

Allele frequency attached by ClinVar (database versions not stated): gnomAD exomes below 0.00001 and 0.00001; TOPMed below 0.00001; gnomAD 0.00001.
gnomAD v4.1: 14 of 1,613,934 alleles (0.00087%); highest among the groups gnomAD compares: South Asian, 0.0011%; no homozygotes.

Submission:

Labcorp Genetics (formerly Invitae), Labcorp
Classification: Uncertain significance for Epilepsy, progressive myoclonic, 1B. Last evaluated: 2018-04-26. Review status: criteria provided, single submitter. Criteria: Invitae Variant Classification Sherloc (09022015). Collection method: clinical testing. Allele origin: germline.
Comment: In summary, the available evidence is currently insufficient to determine the role of this variant in disease. Therefore, it has been classified as a Variant of Uncertain Significance. Algorithms developed to predict the effect of missense changes on protein structure and function (SIFT, PolyPhen-2, Align-GVGD) all suggest that this variant is likely to be disruptive, but these predictions have not been confirmed by published functional studies and their clinical significance is uncertain. This variant has not been reported in the literature in individuals with PRICKLE1-related disease. This variant is not present in population databases (ExAC no frequency). This sequence change replaces glutamic acid with glycine at codon 775 of the PRICKLE1 protein (p.Glu775Gly). The glutamic acid residue is highly conserved and there is a moderate physicochemical difference between glutamic acid and glycine.

NM_153026.3(PRICKLE1):c.2324A>G (p.Glu775Gly)

Gene: PRICKLE1 (prickle planar cell polarity protein 1; minus strand). Cytogenetic location: 12q12.
Variant type: single nucleotide variant.
Coding change: c.2324A>G on transcript NM_153026.3 (MANE Select); coding-DNA position 2324, A replaced by G.
Protein change: p.Glu775Gly; replaces glutamic acid 775 with glycine.
Molecular consequence: missense variant.
Genome position (GRCh38, 1-based): chr12:42,459,981, T>C on the plus strand (A>G on the coding strand, the complement: PRICKLE1 is on the minus strand). VCF-style: chr12-42459981-T-C. GRCh37 (hg19) VCF-style: chr12-42853783-T-C.
Other names: c.2324A>G, p.Glu775Gly (NM_001144881.2, NM_001144882.2, NM_001144883.2); short protein forms E775G.
Identifiers: ClinVar variation 575160 (VCV000575160.8), dbSNP rs1239945627, ClinGen allele CA384439714.